The following is an entry in ClinVar:

ClinVar aggregate classification (germline): Likely benign. Review status: criteria provided, multiple submitters, no conflicts (2 of 4 stars). 3 submissions from 3 submitters: Likely benign (3). Last evaluated 2025-08-24.

Conditions:
Catecholaminergic polymorphic ventricular tachycardia (CVPT). Also called: Catecholamine-induced polymorphic ventricular tachycardia. Identifiers: Orphanet 3286, MedGen C5574922, MONDO:0017990.
Catecholaminergic polymorphic ventricular tachycardia 1. Also called: VENTRICULAR TACHYCARDIA, CATECHOLAMINERGIC POLYMORPHIC, 1, WITH OR WITHOUT ATRIAL DYSFUNCTION AND/OR DILATED CARDIOMYOPATHY; VENTRICULAR TACHYCARDIA, STRESS-INDUCED POLYMORPHIC 1; RYR2-Related Catecholaminergic Polymorphic Ventricular Tachycardia. Identifiers: Orphanet 3286, MedGen C1631597, MONDO:0011484, OMIM 604772.

Allele frequency attached by ClinVar (database versions not stated): TOPMed below 0.00001.

Submissions (3):

Labcorp Genetics (formerly Invitae), Labcorp
Classification: Likely benign for Catecholaminergic polymorphic ventricular tachycardia 1. Last evaluated: 2025-08-24. Review status: criteria provided, single submitter. Criteria: Invitae Variant Classification Sherloc (09022015). Collection method: clinical testing. Allele origin: germline.

Blueprint Genetics
Classification: Likely benign. Last evaluated: 2024-06-27. Review status: criteria provided, single submitter. Criteria: ACMG Guidelines, 2015. Collection method: clinical testing. Allele origin: germline.

All of Us Research Program, National Institutes of Health
Classification: Likely benign for Catecholaminergic polymorphic ventricular tachycardia. Last evaluated: 2023-09-17. Review status: criteria provided, single submitter. Criteria: ACMG Guidelines, 2015. Collection method: clinical testing. Allele origin: germline. Inheritance: Autosomal dominant inheritance. Observed: 1 variant allele, 1 heterozygote.
Comment: This study involves interpretation of variants in research participants for the purpose of population health screening. Participant phenotype was not available at the time of variant classification. Additional details can be found in publication PMID: 35346344, PMCID: PMC8962531

NM_001035.3(RYR2):c.4032G>A (p.Glu1344=)

Genes: RYR2 (ryanodine receptor 2; plus strand), LOC126806067 (BRD4-independent group 4 enhancer GRCh37_chr1:237753258-237754457; plus strand). Cytogenetic location: 1q43.
Variant type: single nucleotide variant.
Coding change: c.4032G>A on transcript NM_001035.3 (MANE Select); coding-DNA position 4032, G replaced by A.
Protein change: p.Glu1344=; no amino-acid change (glutamic acid 1344 retained).
Molecular consequence: synonymous variant.
Genome position (GRCh38, 1-based): chr1:237,590,864, G>A. VCF-style: chr1-237590864-G-A. GRCh37 (hg19) VCF-style: chr1-237754164-G-A.
Identifiers: ClinVar variation 3073391 (VCV003073391.3), dbSNP rs1675079641, ClinGen allele CA424030854.